The following is an entry in ClinVar:

NM_000352.6(ABCC8):c.1920G>A (p.Ala640=)

Gene: ABCC8 (ATP binding cassette subfamily C member 8; minus strand). Cytogenetic location: 11p15.1.
Variant type: single nucleotide variant.
Coding change: c.1920G>A on transcript NM_000352.6 (MANE Select); coding-DNA position 1920, G replaced by A.
Protein change: p.Ala640=; no amino-acid change (alanine 640 retained).
Molecular consequence: synonymous variant. On other transcripts: non-coding transcript variant (1).
Genome position (GRCh38, 1-based): chr11:17,428,568, C>T on the plus strand (G>A on the coding strand, the complement: ABCC8 is on the minus strand). VCF-style: chr11-17428568-C-T. GRCh37 (hg19) VCF-style: chr11-17450115-C-T.
Other names: c.1920G>A, p.Ala640= (NM_001287174.3, NM_001351295.2); c.1917G>A, p.Ala639= (NM_001351296.2, NM_001351297.2).
Identifiers: ClinVar variation 303780 (VCV000303780.53), dbSNP rs146156937, ClinGen allele CA5903396.

ClinVar aggregate classification (germline): Conflicting classifications of pathogenicity. Review status: criteria provided, conflicting classifications (1 of 4 stars). 12 submissions from 9 submitters: Uncertain significance (2); Benign (1); Likely benign (9). Last evaluated 2026-01-21.

Conditions:
Maturity-onset diabetes of the young (MODY). Also called: Maturity onset diabetes mellitus in young. Identifiers: Orphanet 552, MedGen C0342276, MONDO:0018911, HP:0004904.
Permanent neonatal diabetes mellitus (PNDM). Identifiers: Orphanet 99885, MedGen C1833104, MONDO:0100164, MONDO:0011643. Disease mechanism: gain of function.
Inborn genetic diseases. Identifiers: MedGen C0950123, MeSH D030342.
Transitory neonatal diabetes mellitus. Also called: Transient neonatal diabetes mellitus. Identifiers: MedGen C0342273, MONDO:0020525, HP:0008255.
Diabetes mellitus, transient neonatal, 2 (TNDM2). Identifiers: Orphanet 99886, MedGen C1835887, MONDO:0012480, OMIM 610374. Disease mechanism: loss of function.
Hyperinsulinemic hypoglycemia, familial, 1 (HHF1). Also called: HYPERINSULINISM, FAMILIAL, WITH PANCREATIC NESIDIOBLASTOSIS; HYPOGLYCEMIA, HYPERINSULINEMIC, OF INFANCY; NESIDIOBLASTOSIS OF PANCREAS; Persistent hyperinsulinemic hypoglycemia of infancy; Persistent Hyperinsulinemia Hypoglycemia of Infancy. Identifiers: Orphanet 276575, Orphanet 276598, MedGen C2931832, MONDO:0009734, OMIM 256450.

Allele frequency attached by ClinVar (database versions not stated): 1000 Genomes Project 0.00040; ExAC 0.00040; 1000 Genomes Project 30x 0.00047; gnomAD exomes 0.00049; gnomAD 0.00095 and 0.00103; TOPMed 0.00095; ESP Exome Variant Server 0.00108.
gnomAD v4.1: 667 of 1,614,048 alleles (0.041%); highest among the groups gnomAD compares: African/African-American, 0.24%; no homozygotes.

Submissions (12):

Labcorp Genetics (formerly Invitae), Labcorp
Classification: Likely benign. Last evaluated: 2026-01-21. Review status: criteria provided, single submitter. Criteria: Invitae Variant Classification Sherloc (09022015). Collection method: clinical testing. Allele origin: germline.

Blueprint Genetics
Classification: Likely benign. Last evaluated: 2024-03-11. Review status: criteria provided, single submitter. Criteria: ACMG Guidelines, 2015. Collection method: clinical testing. Allele origin: germline.

Ambry Genetics
Classification: Likely benign for Inborn genetic diseases. Last evaluated: 2023-05-21. Review status: criteria provided, single submitter. Criteria: Ambry Variant Classification Scheme 2023. Collection method: clinical testing. Allele origin: germline.

CeGaT Center for Human Genetics Tuebingen
Classification: Likely benign. Last evaluated: 2022-07-01. Review status: criteria provided, single submitter. Criteria: CeGaT Center For Human Genetics Tuebingen Variant Classification Criteria Version 2. Collection method: clinical testing. Allele origin: germline. Affected: yes. Observed: 1 variant allele.
Comment: ABCC8: BP4, BP7

GeneDx
Classification: Likely benign. Last evaluated: 2020-02-13. Review status: criteria provided, single submitter. Criteria: GeneDx Variant Classification Process June 2021. Collection method: clinical testing. Allele origin: germline. Affected: yes.

Women's Health and Genetics/Laboratory Corporation of America, LabCorp
Classification: Benign. Last evaluated: 2017-08-21. Review status: criteria provided, single submitter. Criteria: LabCorp Variant Classification Summary - May 2015. Collection method: clinical testing. Allele origin: germline.
Comment: Variant summary: The ABCC8 c.1920G>A (p.Ala640Ala) variant involves the alteration of a non-conserved nucleotide causing a synonymous change and 4/5 splice prediction tools predict no significant impact on normal splicing. ESE finder predicts that this variant may alter ESE binding. However, these predictions have yet to be confirmed by functional studies. This variant was found in 151/276676 control chromosomes at a frequency of 0.0005458, which is approximately 26197 times the estimated maximal expected allele frequency of a pathogenic ABCC8 variant (0), suggesting this variant is likely a benign polymorphism. In addition, a clinical diagnostic laboratory classified this variant as likely benign. The variant of interest has not, to our knowledge, been reported in affected individuals via publications. Taken together, this variant is classified as benign.

Illumina Laboratory Services, Illumina
Classification: Likely benign for Diabetes mellitus, transient neonatal, 2. Last evaluated: 2017-04-27. Review status: criteria provided, single submitter. Criteria: ICSL Variant Classification Criteria 13 December 2019. Collection method: clinical testing. Allele origin: germline.
Comment: This variant was observed as part of a predisposition screen in an ostensibly healthy population. A literature search was performed for the gene, cDNA change, and amino acid change (where applicable). No publications were found based on this search. Allele frequency data from public databases allowed determination this variant is unlikely to cause disease. Therefore, this variant is classified as likely benign.

Illumina Laboratory Services, Illumina
Classification: Likely benign for Hyperinsulinemic hypoglycemia, familial, 1. Last evaluated: 2017-04-27. Review status: criteria provided, single submitter. Criteria: ICSL Variant Classification Criteria 13 December 2019. Collection method: clinical testing. Allele origin: germline.
Comment: the same text as in the submission from Illumina Laboratory Services, Illumina above.

Illumina Laboratory Services, Illumina
Classification: Likely benign for Permanent neonatal diabetes mellitus 1. Last evaluated: 2017-04-27. Review status: criteria provided, single submitter. Criteria: ICSL Variant Classification Criteria 13 December 2019. Collection method: clinical testing. Allele origin: germline.
Comment: the same text as in the submission from Illumina Laboratory Services, Illumina above.

Breakthrough Genomics
Classification: Likely benign. Review status: criteria provided, single submitter. Criteria: ACMG Guidelines, 2015. Collection method: not provided. Allele origin: germline. Inheritance: Autosomal recessive inheritance. Affected: yes.

Clinical Genomics, Uppaluri K&H Personalized Medicine Clinic
Classification: Uncertain significance for Transitory neonatal diabetes mellitus. Review status: criteria provided, single submitter. Criteria: K & H Uppaluri Personalized Medicine Clinic Variant Classification & Assertion Criteria_Updated V.1. Collection method: research. Allele origin: unknown. Inheritance: Somatic mutation.
Comment: Mutations in ABCC8 gene are associated with both neonatal diabetes mellitus as well as MODY. Patients with this mutation may have a better response to sulfonylureas. However, no sufficient evidence is found to ascertain the role of this particular variant (rs146156937) in neonatal diabetes yet.

Clinical Genomics, Uppaluri K&H Personalized Medicine Clinic
Classification: Uncertain significance for Maturity-onset diabetes of the young. Review status: criteria provided, single submitter. Criteria: K & H Uppaluri Personalized Medicine Clinic Variant Classification & Assertion Criteria_Updated V.1. Collection method: research. Allele origin: unknown. Inheritance: Somatic mutation.
Comment: Mutations in ABCC8 gene are associated with both neonatal diabetes mellitus as well as MODY. Patients with this mutation may have a better response to sulfonylureas. However, no sufficient evidence is found to ascertain the role of this particular variant (rs146156937) in MODY yet.

Literature cited by the submitters: PubMed 16885549 (cited by Clinical Genomics, Uppaluri K&H Personalized Medicine Clinic); PubMed 21989597 (cited by Clinical Genomics, Uppaluri K&H Personalized Medicine Clinic); PubMed 27538677 (cited by Clinical Genomics, Uppaluri K&H Personalized Medicine Clinic); PubMed 18981553 (cited by Clinical Genomics, Uppaluri K&H Personalized Medicine Clinic); PubMed 32027066 (cited by Clinical Genomics, Uppaluri K&H Personalized Medicine Clinic); PubMed 16613899 (cited by Clinical Genomics, Uppaluri K&H Personalized Medicine Clinic); PubMed 18025408 (cited by Clinical Genomics, Uppaluri K&H Personalized Medicine Clinic); PubMed 32792356 (cited by Clinical Genomics, Uppaluri K&H Personalized Medicine Clinic).